The following is an entry in ClinVar:

NM_001277115.2(DNAH11):c.10006G>T (p.Ala3336Ser)

Gene: DNAH11 (dynein axonemal heavy chain 11; plus strand). Cytogenetic location: 7p15.3.
Variant type: single nucleotide variant.
Coding change: c.10006G>T on transcript NM_001277115.2 (MANE Select); coding-DNA position 10006, G replaced by T.
Protein change: p.Ala3336Ser; replaces alanine 3336 with serine.
Molecular consequence: missense variant.
Genome position (GRCh38, 1-based): chr7:21,789,322, G>T. VCF-style: chr7-21789322-G-T. GRCh37 (hg19) VCF-style: chr7-21828940-G-T.
Other names: NM_001277115.2:c.10006G>T; short protein forms A3336S.
Identifiers: ClinVar variation 3776943 (VCV003776943.1).
Genomic context (GRCh38, chr7:21,789,322, plus strand): 5'-AAACGCCAAGCATTAGCCCAAGCAAACTTAGAACTGGCTGCAGCTACTGAAAAACTAGAG[G>T]CTATCAGGAAAAAGCTTGTGGTGAGTGCAAACTATGACATTGAAAAGGTTCCCAAGAGGT-3'
Protein context (NP_001264044.1, residues 3326-3346): ELAAATEKLE[Ala3336Ser]IRKKLVDLDR

ClinVar aggregate classification (germline): Uncertain significance (1 of 4 stars; one submission).

Conditions:
Primary ciliary dyskinesia 7. Also called: CILIARY DYSKINESIA, PRIMARY, 7, WITH OR WITHOUT SITUS INVERSUS. Identifiers: Orphanet 244, MedGen C2678473, MONDO:0012748, OMIM 611884.

gnomAD v4.1: 3 of 1,570,250 alleles (0.00019%); highest among the groups gnomAD compares: East Asian, 0.0047%; no homozygotes.

Submission:

Broad Center for Mendelian Genomics, Broad Institute of MIT and Harvard
Classification: Uncertain significance for Primary ciliary dyskinesia 7. Last evaluated: 2025-02-19. Review status: criteria provided, single submitter. Criteria: ACMG Guidelines, 2015. Collection method: curation. Allele origin: germline. Inheritance: Autosomal recessive inheritance.
Comment: The p.Ala3336Ser variant in DNAH11 has been reported in 1 individual with primary ciliary dyskinesia (PMID: 32502479), and has been identified in 0.005% (2/42678) of East Asian chromosomes by the Genome Aggregation Database (gnomAD; dbSNP rs1464217560). Although this variant has been seen in the general population in a heterozygous state, its frequency is low enough to be consistent with a recessive carrier frequency. Computational prediction tools, including splice predictors and conservation analyses, suggest that this variant may not impact the protein, though this information is not predictive enough to rule out pathogenicity. In summary, the clinical significance of the p.Ala3336Ser variant is uncertain. ACMG/AMP Criteria applied: BP4, PM2_supporting (Richards 2015)